The following is an entry in ClinVar:

NM_001128205.2(SULF1):c.631C>T (p.Pro211Ser)

Gene: SULF1 (sulfatase 1; plus strand). Cytogenetic location: 8q13.2.
Variant type: single nucleotide variant.
Coding change: c.631C>T on transcript NM_001128205.2 (MANE Select); coding-DNA position 631, C replaced by T.
Protein change: p.Pro211Ser; replaces proline 211 with serine.
Molecular consequence: missense variant. On other transcripts: non-coding transcript variant (2).
Genome position (GRCh38, 1-based): chr8:69,589,038, C>T. VCF-style: chr8-69589038-C-T. GRCh37 (hg19) VCF-style: chr8-70501273-C-T.
Other names: c.631C>T, p.Pro211Ser (NM_001128204.2, NM_001128206.2, NM_001412828.1 and 19 more transcripts); c.445C>T, p.Pro149Ser (NM_001412841.1, NM_001412842.1); c.631C>T (NM_001128205.1); short protein forms P211S, P149S.
Identifiers: ClinVar variation 1903716 (VCV001903716.6), dbSNP rs764867067, ClinGen allele CA4775625.

ClinVar aggregate classification (germline): Uncertain significance. Review status: criteria provided, multiple submitters, no conflicts (2 of 4 stars). 2 submissions from 2 submitters: Uncertain significance (2). Last evaluated 2025-07-02.

Allele frequency attached by ClinVar (database versions not stated): ExAC 0.00001; gnomAD exomes 0.00001; TOPMed 0.00001; gnomAD 0.00002.

Submissions (2):

Ambry Genetics
Classification: Uncertain significance. Last evaluated: 2025-07-02. Review status: criteria provided, single submitter. Criteria: Ambry Variant Classification Scheme 2023. Collection method: clinical testing. Allele origin: germline.

Labcorp Genetics (formerly Invitae), Labcorp
Classification: Uncertain significance. Last evaluated: 2024-10-07. Review status: criteria provided, single submitter. Criteria: Invitae Variant Classification Sherloc (09022015). Collection method: clinical testing. Allele origin: germline.
Comment: This sequence change replaces proline, which is neutral and non-polar, with serine, which is neutral and polar, at codon 211 of the SULF1 protein (p.Pro211Ser). This variant is present in population databases (rs764867067, gnomAD 0.01%). This variant has not been reported in the literature in individuals affected with SULF1-related conditions. ClinVar contains an entry for this variant (Variation ID: 1903716). An algorithm developed to predict the effect of missense changes on protein structure and function (PolyPhen-2) suggests that this variant is likely to be disruptive. In summary, the available evidence is currently insufficient to determine the role of this variant in disease. Therefore, it has been classified as a Variant of Uncertain Significance.